The following is an entry in ClinVar:

NM_006343.3(MERTK):c.2163T>A (p.His721Gln)

Gene: MERTK (MER proto-oncogene, tyrosine kinase; plus strand). Cytogenetic location: 2q13.
Variant type: single nucleotide variant.
Coding change: c.2163T>A on transcript NM_006343.3 (MANE Select); coding-DNA position 2163, T replaced by A.
Protein change: p.His721Gln; replaces histidine 721 with glutamine.
Molecular consequence: missense variant.
Genome position (GRCh38, 1-based): chr2:112,019,496, T>A. VCF-style: chr2-112019496-T-A. GRCh37 (hg19) VCF-style: chr2-112777073-T-A.
Other names: short protein forms H721Q.
Identifiers: ClinVar variation 866882 (VCV000866882.33), dbSNP rs749472520, ClinGen allele CA1831726.

ClinVar aggregate classification (germline): Pathogenic/Likely pathogenic. Review status: criteria provided, multiple submitters, no conflicts (2 of 4 stars). 4 submissions from 4 submitters: Pathogenic (2); Likely pathogenic (2). Last evaluated 2025-09-02.

Conditions:
MERTK-related disorder. Also called: MERTK-related condition.

Allele frequency attached by ClinVar (database versions not stated): gnomAD exomes below 0.00001 and 0.00001; ExAC 0.00001.
gnomAD v4.1: 4 of 1,613,738 alleles (0.00025%); highest among the groups gnomAD compares: Non-Finnish European, 0.00034%; no homozygotes.

Submissions (4):

Labcorp Genetics (formerly Invitae), Labcorp
Classification: Pathogenic. Last evaluated: 2025-09-02. Review status: criteria provided, single submitter. Criteria: Invitae Variant Classification Sherloc (09022015). Collection method: clinical testing. Allele origin: germline.
Comment: This sequence change replaces histidine, which is basic and polar, with glutamine, which is neutral and polar, at codon 721 of the MERTK protein (p.His721Gln). This variant is present in population databases (rs749472520, gnomAD 0.0009%). This missense change has been observed in individuals with MERTK-related conditions (PMID: 29659094, 35836572, 36036427, 37734845). ClinVar contains an entry for this variant (Variation ID: 866882). Invitae Evidence Modeling of protein sequence and biophysical properties (such as structural, functional, and spatial information, amino acid conservation, physicochemical variation, residue mobility, and thermodynamic stability) indicates that this missense variant is expected to disrupt MERTK protein function with a positive predictive value of 80%. For these reasons, this variant has been classified as Pathogenic.

CeGaT Center for Human Genetics Tuebingen
Classification: Likely pathogenic. Last evaluated: 2024-02-01. Review status: criteria provided, single submitter. Criteria: CeGaT Center For Human Genetics Tuebingen Variant Classification Criteria Version 2. Collection method: clinical testing. Allele origin: germline. Affected: yes. Observed: 1 variant allele.
Comment: MERTK: PM2, PM3, PM5:Supporting, PP3

Blueprint Genetics
Classification: Pathogenic for MERTK-related disorders. Last evaluated: 2021-09-06. Review status: criteria provided, single submitter. Criteria: ACMG Guidelines, 2015. Collection method: clinical testing. Allele origin: germline. Affected: yes. Observed: 5 variant alleles.

Institute of Medical Genetics and Applied Genomics, University Hospital Tübingen
Classification: Likely pathogenic. Last evaluated: 2020-10-23. Review status: criteria provided, single submitter. Criteria: ACMG Guidelines, 2015. Collection method: clinical testing. Allele origin: germline. Inheritance: Autosomal recessive inheritance. Affected: yes.

Literature cited by the submitters: PubMed 29659094 (cited by Labcorp Genetics (formerly Invitae), Labcorp); PubMed 35836572 (cited by Labcorp Genetics (formerly Invitae), Labcorp); PubMed 36036427 (cited by Labcorp Genetics (formerly Invitae), Labcorp); PubMed 37734845 (cited by Labcorp Genetics (formerly Invitae), Labcorp).